The following is an entry in ClinVar:

ClinVar aggregate classification (germline): Uncertain significance (1 of 4 stars; one submission).

Submission:

GeneDx
Classification: Uncertain significance. Last evaluated: 2024-09-19. Review status: criteria provided, single submitter. Criteria: GeneDx Variant Classification Process June 2021. Collection method: clinical testing. Allele origin: germline. Affected: yes.
Comment: Not observed at significant frequency in large population cohorts (gnomAD); In silico analysis supports that this missense variant has a deleterious effect on protein structure/function; Has not been previously published as pathogenic or benign to our knowledge

NM_002235.5(KCNA6):c.1276G>A (p.Gly426Arg)

Genes: KCNA6-AS1 (KCNA6 antisense RNA 1; minus strand), KCNA6 (potassium voltage-gated channel subfamily A member 6; plus strand). Cytogenetic location: 12p13.32.
Variant type: single nucleotide variant.
Coding change: c.1276G>A on transcript NM_002235.5 (MANE Select); coding-DNA position 1276, G replaced by A.
Protein change: p.Gly426Arg; replaces glycine 426 with arginine.
Molecular consequence: missense variant. On other transcripts: non-coding transcript variant (3).
Genome position (GRCh38, 1-based): chr12:4,811,317, G>A. VCF-style: chr12-4811317-G-A. GRCh37 (hg19) VCF-style: chr12-4920483-G-A.
Other names: short protein forms G426R.
Identifiers: ClinVar variation 3774164 (VCV003774164.1).